The following is an entry in ClinVar:

NM_001277115.2(DNAH11):c.13351_13353del (p.Lys4451del)

Genes: CDCA7L (cell division cycle associated 7 like; minus strand), DNAH11 (dynein axonemal heavy chain 11; plus strand). Cytogenetic location: 7p15.3.
Variant type: Deletion.
Coding change: c.13351_13353del on transcript NM_001277115.2 (MANE Select); coding-DNA positions 13351 to 13353, 3 bases deleted (AAG; older notation c.13351_13353delAAG).
Protein change: p.Lys4451del; deletes lysine 4451.
Molecular consequence: inframe deletion. On other transcripts: 3 prime UTR variant (3).
Genome position (GRCh38, 1-based): chr7:21,901,054-21,901,056, AAG deleted. VCF-style (leftmost placement, unchanged base first): chr7-21901053-CAAG-C. GRCh37 (hg19) VCF-style: chr7-21940671-CAAG-C.
Other names: c.*1266_*1268del (NM_001127370.3, NM_001127371.3, NM_018719.5); short protein forms K4451del.
Identifiers: ClinVar variation 454660 (VCV000454660.9), dbSNP rs552487543, ClinGen allele CA4183463.

ClinVar aggregate classification (germline): Uncertain significance. Review status: criteria provided, multiple submitters, no conflicts (2 of 4 stars). 2 submissions from 2 submitters: Uncertain significance (2). Last evaluated 2025-03-27.

Conditions:
DNAH11-related disorder. Also called: DNAH11-related condition.
Primary ciliary dyskinesia. Also called: Ciliary dyskinesia. Identifiers: Orphanet 244, MedGen C0008780, MONDO:0016575, HP:0012265.

Allele frequency attached by ClinVar (database versions not stated): ExAC 0.00002; gnomAD exomes 0.00002; gnomAD 0.00003; TOPMed 0.00005.

Submissions (2):

PreventionGenetics, part of Exact Sciences
Classification: Uncertain significance for DNAH11-related condition. Last evaluated: 2025-03-27. Review status: criteria provided, single submitter. Criteria: ACMG Guidelines, 2015. Collection method: clinical testing. Allele origin: germline.
Comment: The DNAH11 c.13351_13353delAAG variant is predicted to result in an in-frame deletion (p.Lys4451del). To our knowledge, this variant has not been reported in the literature. This variant is reported in 0.0058% of alleles in individuals of Latino descent in gnomAD. At this time, the clinical significance of this variant is uncertain due to the absence of conclusive functional and genetic evidence.

Labcorp Genetics (formerly Invitae), Labcorp
Classification: Uncertain significance for Primary ciliary dyskinesia. Last evaluated: 2024-11-18. Review status: criteria provided, single submitter. Criteria: Invitae Variant Classification Sherloc (09022015). Collection method: clinical testing. Allele origin: germline.
Comment: This variant, c.13351_13353del, results in the deletion of 1 amino acid(s) of the DNAH11 protein (p.Lys4451del), but otherwise preserves the integrity of the reading frame. This variant is present in population databases (rs552487543, gnomAD 0.006%). This variant has not been reported in the literature in individuals affected with DNAH11-related conditions. ClinVar contains an entry for this variant (Variation ID: 454660). Experimental studies and prediction algorithms are not available or were not evaluated, and the functional significance of this variant is currently unknown. In summary, the available evidence is currently insufficient to determine the role of this variant in disease. Therefore, it has been classified as a Variant of Uncertain Significance.